The following is an entry in ClinVar:

NM_003239.5(TGFB3):c.1138C>T (p.Pro380Ser)

Gene: TGFB3 (transforming growth factor beta 3; minus strand). Cytogenetic location: 14q24.3.
Variant type: single nucleotide variant.
Coding change: c.1138C>T on transcript NM_003239.5 (MANE Select); coding-DNA position 1138, C replaced by T.
Protein change: p.Pro380Ser; replaces proline 380 with serine.
Molecular consequence: missense variant.
Genome position (GRCh38, 1-based): chr14:75,959,288, G>A on the plus strand (C>T on the coding strand, the complement: TGFB3 is on the minus strand). VCF-style: chr14-75959288-G-A. GRCh37 (hg19) VCF-style: chr14-76425631-G-A.
Other names: c.1138C>T, p.Pro380Ser (NM_001329939.2); short protein forms P380S.
Identifiers: ClinVar variation 520210 (VCV000520210.20), dbSNP rs1555360033, ClinGen allele CA390467133.

ClinVar aggregate classification (germline): Uncertain significance. Review status: criteria provided, multiple submitters, no conflicts (2 of 4 stars). 7 submissions from 7 submitters: Uncertain significance (5). 2 of the submissions do not count toward it. Last evaluated 2026-07-13.

Conditions:
Familial thoracic aortic aneurysm and aortic dissection (TAAD). Also called: Thoracic aortic aneurysms and dissections. Identifiers: Orphanet 91387, MedGen C4707243, MONDO:0019625.
Rienhoff syndrome. Also called: LOEYS-DIETZ SYNDROME 5. Identifiers: MedGen C3810012, MONDO:0014262, OMIM 615582.

Allele frequency attached by ClinVar (database versions not stated): gnomAD exomes below 0.00001.
gnomAD v4.1: 2 of 1,614,218 alleles (0.00012%); highest among the groups gnomAD compares: Non-Finnish European, 0.00017%; no homozygotes.

Submissions (7):

Victorian Clinical Genetics Services, Murdoch Childrens Research Institute
Classification: Uncertain significance for Rienhoff syndrome. Last evaluated: 2026-07-13. Review status: criteria provided, single submitter. Criteria: ACMG Guidelines, 2015. Collection method: clinical testing. Allele origin: germline. Affected: yes.
Comment: This variant is classified as VUS-3A. Evidence in support of pathogenic classification: This variant is present in gnomAD <0.001 for a dominant condition (v4: 2 heterozygote(s), 0 homozygote(s)); Missense variant predicted to be damaging by in silico tool(s) and/or highly conserved with a major amino acid change. Additional information: This variant is predicted to result in a missense amino acid change from Pro to Ser; This variant is heterozygous; This gene is associated with autosomal dominant disease; Previous evidence of pathogenicity for this variant is inconclusive. This variant has been classified as VUS by multiple clinical laboratories in ClinVar. This variant has also been reported in the literature in an arrhythmogenic cardiomyopathy cohort, however this association is limited (PMID: 35947370, ClinGen: CCID:006357). - No published evidence of segregation with disease has been identified for this variant; No published functional evidence has been identified for this variant; No comparable variants have previous evidence for pathogenicity; Variant is located in the annotated transforming growth factor beta like domain (DECIPHER). - Loss of function is a known mechanism of disease in this gene and is associated with Loeys-Dietz syndrome 5 (MIM#615582). Dominant negative has been shown for a missense variant (PMID: 23824657). Increased TGFB signalling has also been reported however the exact mechanism is unclear (PMID: 25835445); Variants in this gene are known to have variable expressivity (PMID: 20301312). - Inheritance information for this variant is not currently available in this individual.

Ambry Genetics
Classification: Uncertain significance for Familial thoracic aortic aneurysm and aortic dissection. Last evaluated: 2024-09-12. Review status: criteria provided, single submitter. Criteria: Ambry Variant Classification Scheme 2023. Collection method: clinical testing. Allele origin: germline.
Comment: The p.P380S variant (also known as c.1138C>T), located in coding exon 7 of the TGFB3 gene, results from a C to T substitution at nucleotide position 1138. The proline at codon 380 is replaced by serine, an amino acid with similar properties. This amino acid position is highly conserved in available vertebrate species. In addition, this alteration is predicted to be deleterious by in silico analysis. Based on the available evidence, the clinical significance of this variant remains unclear.

Centre of Medical Genetics, University of Antwerp
Classification: Uncertain significance for Familial thoracic aortic aneurysm and aortic dissection. Last evaluated: 2024-09-06. Review status: criteria provided, single submitter. Criteria: ACMG Guidelines, 2015. Collection method: clinical testing. Allele origin: germline. Affected: yes.

Molecular Genetics, Royal Melbourne Hospital
Classification: Uncertain significance for Rienhoff syndrome. Last evaluated: 2023-07-07. Review status: criteria provided, single submitter. Criteria: ACMG Guidelines, 2015. Collection method: clinical testing. Allele origin: germline. Inheritance: Autosomal dominant inheritance.
Comment: This sequence change in TGFB3 is predicted to replace proline with serine at codon 380, p.(Pro380Ser). The proline residue is highly conserved (100 vertebrates, UCSC), and is located in TGF-beta 2 domain. There is a moderate physicochemical difference between proline and serine. This variant is absent from the population database gnomAD v2.1 and v3.1. This variant has been detected in individuals with inconsistent phenotypes (Pilarska-Deltow et al; Invitae, personal communication). Computational evidence predicts a deleterious effect for the missense substitution (REVEL = 0.844). Based on the classification scheme RMH Modified ACMG/AMP Guidelines v1.6.1, this variant is classified as a VARIANT OF UNCERTAIN SIGNIFICANCE. Following criteria are met: PM2_Supporting, PP3.

Labcorp Genetics (formerly Invitae), Labcorp
Classification: Uncertain significance for Rienhoff syndrome. Last evaluated: 2020-04-27. Review status: criteria provided, single submitter. Criteria: Invitae Variant Classification Sherloc (09022015). Collection method: clinical testing. Allele origin: germline.
Comment: Algorithms developed to predict the effect of missense changes on protein structure and function are either unavailable or do not agree on the potential impact of this missense change (SIFT: "Deleterious"; PolyPhen-2: "Probably Damaging"; Align-GVGD: "Class C0"). This variant has not been reported in the literature in individuals with TGFB3-related conditions. ClinVar contains an entry for this variant (Variation ID: 520210). This variant is not present in population databases (ExAC no frequency). This sequence change replaces proline with serine at codon 380 of the TGFB3 protein (p.Pro380Ser). The proline residue is highly conserved and there is a moderate physicochemical difference between proline and serine. In summary, the available evidence is currently insufficient to determine the role of this variant in disease. Therefore, it has been classified as a Variant of Uncertain Significance.

Clinical Genetics DNA and cytogenetics Diagnostics Lab, Erasmus MC, Erasmus Medical Center
Classification: Uncertain significance. Review status: no assertion criteria provided. Collection method: clinical testing. Allele origin: germline. Affected: yes. Study: VKGL Data-share Consensus. Not counted in ClinVar's aggregate classification.

Genome Diagnostics Laboratory, University Medical Center Utrecht
Classification: Uncertain significance. Review status: no assertion criteria provided. Collection method: clinical testing. Allele origin: germline. Affected: yes. Study: VKGL Data-share Consensus. Not counted in ClinVar's aggregate classification.

Literature cited by the submitters: PubMed 23824657 (cited by Victorian Clinical Genetics Services, Murdoch Childrens Research Institute); PubMed 20301312 (cited by Victorian Clinical Genetics Services, Murdoch Childrens Research Institute); PubMed 35947370 (cited by Victorian Clinical Genetics Services, Murdoch Childrens Research Institute); PubMed 25835445 (cited by Victorian Clinical Genetics Services, Murdoch Childrens Research Institute).